The following is an entry in ClinVar:

ClinVar aggregate classification (germline): Conflicting classifications of pathogenicity. Review status: criteria provided, conflicting classifications (1 of 4 stars). 5 submissions from 5 submitters: Uncertain significance (4); Likely benign (1). Last evaluated 2025-09-11.

Allele frequency attached by ClinVar (database versions not stated): gnomAD 0.00001; TOPMed 0.00001; gnomAD exomes 0.00003; ESP Exome Variant Server 0.00019.
gnomAD v4.1: 57 of 1,209,405 alleles (0.0047%); highest among the groups gnomAD compares: East Asian, 0.024%; no homozygotes.

Submissions (6):

Ambry Genetics
Classification: Uncertain significance. Last evaluated: 2025-09-11. Review status: criteria provided, single submitter. Criteria: Ambry Variant Classification Scheme 2023. Collection method: clinical testing. Allele origin: germline.

Labcorp Genetics (formerly Invitae), Labcorp
Classification: Uncertain significance. Last evaluated: 2025-09-07. Review status: criteria provided, single submitter. Criteria: Invitae Variant Classification Sherloc (09022015). Collection method: clinical testing. Allele origin: germline.
Comment: This sequence change replaces glycine, which is neutral and non-polar, with serine, which is neutral and polar, at codon 664 of the COL4A6 protein (p.Gly664Ser). This variant is present in population databases (rs139988853, gnomAD 0.01%). This variant has not been reported in the literature in individuals affected with COL4A6-related conditions. ClinVar contains an entry for this variant (Variation ID: 1320556). Invitae Evidence Modeling of protein sequence and biophysical properties (such as structural, functional, and spatial information, amino acid conservation, physicochemical variation, residue mobility, and thermodynamic stability) indicates that this missense variant is not expected to disrupt COL4A6 protein function with a negative predictive value of 80%. In summary, the available evidence is currently insufficient to determine the role of this variant in disease. Therefore, it has been classified as a Variant of Uncertain Significance.

Mayo Clinic Laboratories, Mayo Clinic
Classification: Uncertain significance. Last evaluated: 2024-05-01. Review status: criteria provided, single submitter. Criteria: ACMG Guidelines, 2015. Collection method: clinical testing. Allele origin: germline. Observed: 2 variant alleles.
Comment: PP3

Blueprint Genetics
Classification: Uncertain significance. Last evaluated: 2023-07-05. Review status: criteria provided, single submitter. Criteria: ACMG Guidelines, 2015. Collection method: clinical testing. Allele origin: germline.

GeneDx
Classification: Likely benign. Last evaluated: 2020-09-23. Review status: criteria provided, single submitter. Criteria: GeneDx Variant Classification Process June 2021. Collection method: clinical testing. Allele origin: germline. Affected: yes.

Dr. Peter K. Rogan Lab, Western University
No classification provided (evidence only). Condition: Nonpapillary renal cell carcinoma. Review status: no classification provided. Collection method: in vitro. Allele origin: not applicable. Functional consequence: retained intron. Not counted in ClinVar's aggregate classification.

NM_033641.4(COL4A6):c.1987G>A (p.Gly663Ser)

Gene: COL4A6 (collagen type IV alpha 6 chain; minus strand). Cytogenetic location: Xq22.3.
Variant type: single nucleotide variant.
Coding change: c.1987G>A on transcript NM_033641.4 (MANE Select); coding-DNA position 1987, G replaced by A.
Protein change: p.Gly663Ser; replaces glycine 663 with serine.
Molecular consequence: missense variant.
Genome position (GRCh38, 1-based): chrX:108,180,933, C>T on the plus strand (G>A on the coding strand, the complement: COL4A6 is on the minus strand). VCF-style: chrX-108180933-C-T. GRCh37 (hg19) VCF-style: chrX-107424163-C-T.
Other names: p.Gly664Ser; c.2038G>A, p.Gly680Ser (NM_001287758.2); c.1987G>A, p.Gly663Ser (NM_001287759.2, NM_001287760.2); c.1990G>A, p.Gly664Ser (NM_001847.4); c.1990G>A (NM_001847.2); short protein forms G663S, G664S, G680S.
Identifiers: ClinVar variation 1320556 (VCV001320556.10), dbSNP rs139988853, ClinGen allele CA10487718.